The following is an entry in ClinVar:

NM_000038.6(APC):c.6102T>C (p.Ser2034=)

Gene: APC (APC regulator of Wnt signaling pathway; plus strand). Cytogenetic location: 5q22.2.
Variant type: single nucleotide variant.
Coding change: c.6102T>C on transcript NM_000038.6 (MANE Select); coding-DNA position 6102, T replaced by C.
Protein change: p.Ser2034=; no amino-acid change (serine 2034 retained).
Molecular consequence: synonymous variant.
Genome position (GRCh38, 1-based): chr5:112,841,696, T>C. VCF-style: chr5-112841696-T-C. GRCh37 (hg19) VCF-style: chr5-112177393-T-C.
Other names: c.6102T>C, p.Ser2034= (NM_001127510.3, NM_001354895.2); c.6048T>C, p.Ser2016= (NM_001127511.3); c.6156T>C, p.Ser2052= (NM_001354896.2); c.6132T>C, p.Ser2044= (NM_001354897.2); c.6027T>C, p.Ser2009= (NM_001354898.2); c.6018T>C, p.Ser2006= (NM_001354899.2); c.5979T>C, p.Ser1993= (NM_001354900.2); c.5925T>C, p.Ser1975= (NM_001354901.2); and 5 more.
Identifiers: ClinVar variation 1155828 (VCV001155828.11), dbSNP rs2149957033, ClinGen allele CA446209031.

ClinVar aggregate classification (germline): Benign/Likely benign. Review status: criteria provided, multiple submitters, no conflicts (2 of 4 stars). 2 submissions from 2 submitters: Benign (1); Likely benign (1). Last evaluated 2024-04-03.

Conditions:
Familial adenomatous polyposis 1 (FAP1). Also called: POLYPOSIS, ADENOMATOUS INTESTINAL; FAMILIAL ADENOMATOUS POLYPOSIS 1, ATTENUATED. Identifiers: MedGen C2713442, MONDO:0021056, OMIM 175100. Disease mechanism: loss of function.

Submissions (2):

Myriad Genetics, Inc.
Classification: Benign for Familial adenomatous polyposis 1. Last evaluated: 2024-04-03. Review status: criteria provided, single submitter. Criteria: Myriad Autosomal Dominant, Autosomal Recessive and X-Linked Classification Criteria (2023). Collection method: clinical testing. Allele origin: unknown.
Comment: This variant is considered benign. This variant is a silent/synonymous amino acid change and it is not expected to impact splicing.

Labcorp Genetics (formerly Invitae), Labcorp
Classification: Likely benign for Familial adenomatous polyposis 1. Last evaluated: 2021-01-14. Review status: criteria provided, single submitter. Criteria: Invitae Variant Classification Sherloc (09022015). Collection method: clinical testing. Allele origin: germline.